The following is an entry in ClinVar:

ClinVar aggregate classification (germline): Uncertain significance (1 of 4 stars; one submission).

Conditions:
Cardiovascular phenotype. Identifiers: MedGen CN230736.

Submission:

Ambry Genetics
Classification: Uncertain significance for Cardiovascular phenotype. Last evaluated: 2023-05-07. Review status: criteria provided, single submitter. Criteria: Ambry Variant Classification Scheme 2023. Collection method: clinical testing. Allele origin: germline.
Comment: The p.E618G variant (also known as c.1853A>G), located in coding exon 22 of the CACNA2D1 gene, results from an A to G substitution at nucleotide position 1853. The glutamic acid at codon 618 is replaced by glycine, an amino acid with similar properties. This amino acid position is conserved. In addition, the in silico prediction for this alteration is inconclusive. Since supporting evidence is limited at this time, the clinical significance of this alteration remains unclear.

NM_000722.4(CACNA2D1):c.1853A>G (p.Glu618Gly)

Gene: CACNA2D1 (calcium voltage-gated channel auxiliary subunit alpha2delta 1; minus strand). Cytogenetic location: 7q21.11.
Variant type: single nucleotide variant.
Coding change: c.1853A>G on transcript NM_000722.4 (MANE Select); coding-DNA position 1853, A replaced by G.
Protein change: p.Glu618Gly; replaces glutamic acid 618 with glycine.
Molecular consequence: missense variant.
Genome position (GRCh38, 1-based): chr7:81,984,655, T>C on the plus strand (A>G on the coding strand, the complement: CACNA2D1 is on the minus strand). VCF-style: chr7-81984655-T-C. GRCh37 (hg19) VCF-style: chr7-81613971-T-C.
Other names: c.1910A>G, p.Glu637Gly (NM_001366867.1); short protein forms E637G, E618G.
Identifiers: ClinVar variation 2565390 (VCV002565390.2), dbSNP rs2484817774, ClinGen allele CA367876187.